The following is an entry in ClinVar:

NM_003978.5(PSTPIP1):c.318G>C (p.Glu106Asp)

Gene: PSTPIP1 (proline-serine-threonine phosphatase interacting protein 1; plus strand). Cytogenetic location: 15q24.3.
Variant type: single nucleotide variant.
Coding change: c.318G>C on transcript NM_003978.5 (MANE Select); coding-DNA position 318, G replaced by C.
Protein change: p.Glu106Asp; replaces glutamic acid 106 with aspartic acid.
Molecular consequence: missense variant. On other transcripts: non-coding transcript variant (1).
Genome position (GRCh38, 1-based): chr15:77,025,568, G>C. VCF-style: chr15-77025568-G-C. GRCh37 (hg19) VCF-style: chr15-77317909-G-C.
Other names: c.318G>C, p.Glu106Asp (NM_001321135.2); c.291G>C, p.Glu97Asp (NM_001321136.2); c.513G>C, p.Glu171Asp (NM_001321137.1); short protein forms E106D, E171D, E97D.
Identifiers: ClinVar variation 1462120 (VCV001462120.6), dbSNP rs1415307232, ClinGen allele CA393518979.

ClinVar aggregate classification (germline): Uncertain significance (1 of 4 stars; one submission).

Conditions:
Pyogenic arthritis-pyoderma gangrenosum-acne syndrome (PAPA). Also called: PAPA SYNDROME; FAMILIAL RECURRENT ARTHRITIS. Identifiers: Orphanet 69126, MedGen C1858361, MONDO:0011462, OMIM 604416.

Allele frequency attached by ClinVar (database versions not stated): gnomAD exomes below 0.00001 and 0.00001.
gnomAD v4.1: 1 of 1,552,418 alleles (0.000064%); highest among the groups gnomAD compares: East Asian, 0.0024%; no homozygotes.

Submission:

Labcorp Genetics (formerly Invitae), Labcorp
Classification: Uncertain significance for Pyogenic arthritis-pyoderma gangrenosum-acne syndrome. Last evaluated: 2022-08-31. Review status: criteria provided, single submitter. Criteria: Invitae Variant Classification Sherloc (09022015). Collection method: clinical testing. Allele origin: germline.
Comment: In summary, the available evidence is currently insufficient to determine the role of this variant in disease. Therefore, it has been classified as a Variant of Uncertain Significance. Algorithms developed to predict the effect of missense changes on protein structure and function are either unavailable or do not agree on the potential impact of this missense change (SIFT: "Deleterious"; PolyPhen-2: "Benign"; Align-GVGD: "Class C0"). This sequence change replaces glutamic acid, which is acidic and polar, with aspartic acid, which is acidic and polar, at codon 106 of the PSTPIP1 protein (p.Glu106Asp). The frequency data for this variant in the population databases is considered unreliable, as metrics indicate poor data quality at this position in the gnomAD database. This variant has not been reported in the literature in individuals affected with PSTPIP1-related conditions. ClinVar contains an entry for this variant (Variation ID: 1462120).